The following is an entry in ClinVar:

ClinVar aggregate classification (germline): Pathogenic/Likely pathogenic. Review status: criteria provided, multiple submitters, no conflicts (2 of 4 stars). 6 submissions from 6 submitters: Pathogenic (3); Likely pathogenic (3). Last evaluated 2025-08-25.

Conditions:
Brain small vessel disease 1 with or without ocular anomalies (BSVD1). Also called: BRAIN SMALL VESSEL DISEASE WITH HEMORRHAGE; Brain small vessel disease with or without ocular anomalies; GOULD SYNDROME 1; PORENCEPHALY, TYPE 1, AUTOSOMAL DOMINANT. Identifiers: Orphanet 2940, Orphanet 36383, Orphanet 99810, MedGen C4755307, MONDO:0008289, OMIM 175780.
COL4A1-related disorder. Also called: COL4A1-related disorders; COL4A1-related condition. Identifiers: MedGen CN376119, MONDO:0800461.

Submissions (6):

Daryl Scott Lab, Baylor College of Medicine
Classification: Likely pathogenic for COL4A1-related disorder. Last evaluated: 2025-08-25. Review status: criteria provided, single submitter. Criteria: ACMG Guidelines, 2015. Collection method: clinical testing. Allele origin: de novo. Affected: yes. Observed: 1 heterozygote.
Comment: PS2, PS4, PM2, PP3

Labcorp Genetics (formerly Invitae), Labcorp
Classification: Pathogenic. Last evaluated: 2024-04-22. Review status: criteria provided, single submitter. Criteria: Invitae Variant Classification Sherloc (09022015). Collection method: clinical testing. Allele origin: germline.
Comment: This sequence change replaces glycine, which is neutral and non-polar, with serine, which is neutral and polar, at codon 930 of the COL4A1 protein (p.Gly930Ser). This variant is not present in population databases (gnomAD no frequency). This missense change has been observed in individual(s) with clinical features of porencephaly, hereditary angiopathy with nephropathy, aneurysms, and muscle cramps (PMID: 33298904). In at least one individual the variant was observed to be de novo. ClinVar contains an entry for this variant (Variation ID: 1333877). An algorithm developed to predict the effect of missense changes on protein structure and function (PolyPhen-2) suggests that this variant is likely to be disruptive. This variant disrupts the triple helix domain of COL4A1. Glycine residues within the Gly-Xaa-Yaa repeats of the triple helix domain are required for the structure and stability of fibrillar collagens (PMID: 7695699, 8218237, 19344236). In COL4A1 variants affecting these glycine residues are significantly enriched in individuals with disease (PMID: 9016532, 17078022) compared to the general population (ExAC). For these reasons, this variant has been classified as Pathogenic.

Blueprint Genetics
Classification: Pathogenic for COL4A1-related disorders. Last evaluated: 2023-10-06. Review status: criteria provided, single submitter. Criteria: ACMG Guidelines, 2015. Collection method: clinical testing. Allele origin: de novo. Affected: yes. Observed: 1 variant allele.

GeneDx
Classification: Pathogenic. Last evaluated: 2023-07-26. Review status: criteria provided, single submitter. Criteria: GeneDx Variant Classification Process June 2021. Collection method: clinical testing. Allele origin: germline. Affected: yes.
Comment: Affects a glycine residue in a Gly-X-Y motif in the triple helical region of the COL4A1 gene, where the majority of pathogenic missense variants occur, and is predicted to disrupt normal protein folding and function (HGMD; Weng et al., 2012; Yoneda et al., 2013); Not observed at significant frequency in large population cohorts (gnomAD); In silico analysis supports that this missense variant has a deleterious effect on protein structure/function; This variant is associated with the following publications: (PMID: 33298904, 22522439, 23225343)

Baylor Genetics
Classification: Likely pathogenic for Brain small vessel disease 1 with or without ocular anomalies. Last evaluated: 2022-01-28. Review status: criteria provided, single submitter. Criteria: ACMG Guidelines, 2015. Collection method: clinical testing. Allele origin: unknown.

CENTOGENE GmbH and LLC - Guiding Precision Medicine
Classification: Likely pathogenic for Brain small vessel disease 1 with or without ocular anomalies. Last evaluated: 2020-05-18. Review status: criteria provided, single submitter. Criteria: ACMG Guidelines, 2015. Collection method: clinical testing. Allele origin: de novo.

Literature cited by the submitters: PubMed 33298904 (cited by Labcorp Genetics (formerly Invitae), Labcorp); PubMed 7695699 (cited by Labcorp Genetics (formerly Invitae), Labcorp); PubMed 8218237 (cited by Labcorp Genetics (formerly Invitae), Labcorp); PubMed 19344236 (cited by Labcorp Genetics (formerly Invitae), Labcorp); PubMed 9016532 (cited by Labcorp Genetics (formerly Invitae), Labcorp); PubMed 17078022 (cited by Labcorp Genetics (formerly Invitae), Labcorp).

NM_001845.6(COL4A1):c.2788G>A (p.Gly930Ser)

Gene: COL4A1 (collagen type IV alpha 1 chain; minus strand). Cytogenetic location: 13q34.
Variant type: single nucleotide variant.
Coding change: c.2788G>A on transcript NM_001845.6 (MANE Select); coding-DNA position 2788, G replaced by A.
Protein change: p.Gly930Ser; replaces glycine 930 with serine.
Molecular consequence: missense variant.
Genome position (GRCh38, 1-based): chr13:110,176,966, C>T on the plus strand (G>A on the coding strand, the complement: COL4A1 is on the minus strand). VCF-style: chr13-110176966-C-T. GRCh37 (hg19) VCF-style: chr13-110829313-C-T.
Other names: short protein forms G930S.
Identifiers: ClinVar variation 1333877 (VCV001333877.12), dbSNP rs2139163058, ClinGen allele CA388667043.
Genomic context (GRCh38, chr13:110,176,966, plus strand): 5'-TCTGGCCCTTCATGCTGCCCATGTCCACCTTATCCATGGAGCCAGGCTTGCCAGGGAGAC[C>T]GACATCCCCCTTATCACCTTTCAAGCCAGGGTCTCCCCTGGGTCCTGAGGAGCCCGGAAA-3'
Protein context (NP_001836.3, residues 920-940): PGLKGDKGDV[Gly930Ser]LPGKPGSMDK